The following is an entry in ClinVar:

NM_000188.3(HK1):c.2536C>G (p.Arg846Gly)

Gene: HK1 (hexokinase 1; plus strand). Cytogenetic location: 10q22.1.
Variant type: single nucleotide variant.
Coding change: c.2536C>G on transcript NM_000188.3 (MANE Select); coding-DNA position 2536, C replaced by G.
Protein change: p.Arg846Gly; replaces arginine 846 with glycine.
Molecular consequence: missense variant.
Genome position (GRCh38, 1-based): chr10:69,398,755, C>G. VCF-style: chr10-69398755-C-G. GRCh37 (hg19) VCF-style: chr10-71158511-C-G.
Other names: p.Arg845Gly; c.2536C>G (NM_000188.2); c.2548C>G, p.Arg850Gly (NM_001322364.2, NM_001358263.1, NM_033497.3 and 1 more transcripts); c.2641C>G, p.Arg881Gly (NM_001322365.2); c.2452C>G, p.Arg818Gly (NM_001322366.1); c.2440C>G, p.Arg814Gly (NM_001322367.1); c.2533C>G (NM_033496.2); c.2533C>G, p.Arg845Gly (NM_033496.3); and 1 more; short protein forms R814G, R818G, R834G, R845G, R846G, R850G, R881G.
Identifiers: ClinVar variation 1053195 (VCV001053195.15), dbSNP rs146727978, ClinGen allele CA209218349.
Genomic context (GRCh38, chr10:69,398,755, plus strand): 5'-GTGTCCAGGAGGGCCGCACAGCTGTGTGGCGCAGGCATGGCTGCGGTTGTGGATAAGATC[C>G]GCGAGAACAGAGGACTGGACCGTCTGAATGTGACTGTGGGAGTGGACGGGACACTCTACA-3'
Protein context (NP_000179.2, residues 836-856): AGMAAVVDKI[Arg846Gly]ENRGLDRLNV

ClinVar aggregate classification (germline): Uncertain significance. Review status: criteria provided, multiple submitters, no conflicts (2 of 4 stars). 5 submissions from 5 submitters: Uncertain significance (5). Last evaluated 2026-08-18.

Conditions:
HK1-related disorder. Also called: HK1-related disorders; HK1-related condition.
Inborn genetic diseases. Identifiers: MedGen C0950123, MeSH D030342.
Macular dystrophy. Identifiers: MedGen C0730292, HP:0007754.

gnomAD v4.1: 30 of 1,614,066 alleles (0.0019%); highest among the groups gnomAD compares: Admixed American, 0.02%; no homozygotes.

Submissions (5):

PreventionGenetics, part of Exact Sciences
Classification: Uncertain significance for HK1-related condition. Last evaluated: 2026-08-18. Review status: criteria provided, single submitter. Criteria: ACMG Guidelines, 2015. Collection method: clinical testing. Allele origin: germline.
Comment: The HK1 c.2536C>G variant is predicted to result in the amino acid substitution p.Arg846Gly. This variant was reported in an individual with retinitis pigmentosa (Fan et al. 2025. PubMed ID: 40163632). This variant is reported in 0.011% of alleles in individuals of Latino descent in gnomAD. At this time, the clinical significance of this variant is uncertain due to the absence of conclusive functional and genetic evidence.

Mayo Clinic Laboratories, Mayo Clinic
Classification: Uncertain significance. Last evaluated: 2025-10-14. Review status: criteria provided, single submitter. Criteria: ACMG Guidelines, 2015. Collection method: clinical testing. Allele origin: germline. Observed: 2 variant alleles.
Comment: PP3, PM2_supporting

Labcorp Genetics (formerly Invitae), Labcorp
Classification: Uncertain significance. Last evaluated: 2025-10-13. Review status: criteria provided, single submitter. Criteria: Invitae Variant Classification Sherloc (09022015). Collection method: clinical testing. Allele origin: germline.
Comment: This sequence change replaces arginine, which is basic and polar, with glycine, which is neutral and non-polar, at codon 846 of the HK1 protein (p.Arg846Gly). This variant is present in population databases (no rsID available, gnomAD 0.01%). This variant has not been reported in the literature in individuals affected with HK1-related conditions. ClinVar contains an entry for this variant (Variation ID: 1053195). Invitae Evidence Modeling of protein sequence and biophysical properties (such as structural, functional, and spatial information, amino acid conservation, physicochemical variation, residue mobility, and thermodynamic stability) indicates that this missense variant is expected to disrupt HK1 protein function with a positive predictive value of 80%. In summary, the available evidence is currently insufficient to determine the role of this variant in disease. Therefore, it has been classified as a Variant of Uncertain Significance.

Ambry Genetics
Classification: Uncertain significance for Inborn genetic diseases. Last evaluated: 2025-06-10. Review status: criteria provided, single submitter. Criteria: Ambry Variant Classification Scheme 2023. Collection method: clinical testing. Allele origin: germline.

DBGen Ocular Genomics
Classification: Uncertain significance for Macular dystrophy. Last evaluated: 2021-06-16. Review status: criteria provided, single submitter. Criteria: ACMG Guidelines, 2015. Collection method: clinical testing. Allele origin: germline. Affected: yes. Observed: 1 variant allele.